The following is an entry in ClinVar:

NM_020989.4(CRYGC):c.164A>G (p.Gln55Arg)

Genes: CRYGC (crystallin gamma C; minus strand), LOC100507443 (uncharacterized LOC100507443; plus strand). Cytogenetic location: 2q33.3.
Variant type: single nucleotide variant.
Coding change: c.164A>G on transcript NM_020989.4 (MANE Select); coding-DNA position 164, A replaced by G.
Protein change: p.Gln55Arg; replaces glutamine 55 with arginine.
Molecular consequence: missense variant.
Genome position (GRCh38, 1-based): chr2:208,129,529, T>C on the plus strand (A>G on the coding strand, the complement: CRYGC is on the minus strand). VCF-style: chr2-208129529-T-C. GRCh37 (hg19) VCF-style: chr2-208994253-T-C.
Other names: short protein forms Q55R.
Identifiers: ClinVar variation 2346842 (VCV002346842.6), dbSNP rs144295934, ClinGen allele CA2077933.

ClinVar aggregate classification (germline): Conflicting classifications of pathogenicity. Review status: criteria provided, conflicting classifications (1 of 4 stars). 3 submissions from 3 submitters: Uncertain significance (1); Likely benign (2). Last evaluated 2025-10-29.

Conditions:
Inborn genetic diseases. Identifiers: MedGen C0950123, MeSH D030342.
Nuclear pulverulent cataract (CTRCT2). Identifiers: MedGen C1852438, HP:0010698.
CRYGC-related disorder. Also called: CRYGC-related condition.

Allele frequency attached by ClinVar (database versions not stated): TOPMed 0.00012; gnomAD 0.00013; ESP Exome Variant Server 0.00015; 1000 Genomes Project 30x 0.00016; 1000 Genomes Project 0.00020; ExAC 0.00031.

Submissions (3):

Labcorp Genetics (formerly Invitae), Labcorp
Classification: Likely benign for Nuclear pulverulent cataract. Last evaluated: 2025-10-29. Review status: criteria provided, single submitter. Criteria: Invitae Variant Classification Sherloc (09022015). Collection method: clinical testing. Allele origin: germline.

PreventionGenetics, part of Exact Sciences
Classification: Likely benign for CRYGC-related condition. Last evaluated: 2025-10-20. Review status: criteria provided, single submitter. Criteria: ACMG Guidelines, 2015. Collection method: clinical testing. Allele origin: germline.
Comment: This variant is classified as likely benign based on ACMG/AMP sequence variant interpretation guidelines (Richards et al. 2015 PMID: 25741868, with internal and published modifications).

Ambry Genetics
Classification: Uncertain significance for Inborn genetic diseases. Last evaluated: 2021-09-27. Review status: criteria provided, single submitter. Criteria: Ambry Variant Classification Scheme 2023. Collection method: clinical testing. Allele origin: germline.